The following is an entry in ClinVar:

ClinVar aggregate classification (germline): Uncertain significance (1 of 4 stars; one submission).

Submission:

CeGaT Center for Human Genetics Tuebingen
Classification: Uncertain significance. Last evaluated: 2023-11-01. Review status: criteria provided, single submitter. Criteria: CeGaT Center For Human Genetics Tuebingen Variant Classification Criteria Version 2. Collection method: clinical testing. Allele origin: germline. Affected: yes. Observed: 1 variant allele.
Comment: LRRTM1: PM2, PP3

NM_178839.5(LRRTM1):c.619G>A (p.Gly207Ser)

Genes: LRRTM1 (leucine rich repeat transmembrane neuronal 1; minus strand), CTNNA2 (catenin alpha 2; plus strand). Cytogenetic location: 2p12.
Variant type: single nucleotide variant.
Coding change: c.619G>A on transcript NM_178839.5 (MANE Select); coding-DNA position 619, G replaced by A.
Protein change: p.Gly207Ser; replaces glycine 207 with serine.
Molecular consequence: missense variant. On other transcripts: intron variant (5).
Genome position (GRCh38, 1-based): chr2:80,303,201, C>T on the plus strand (G>A on the coding strand, the complement: LRRTM1 is on the minus strand). VCF-style: chr2-80303201-C-T. GRCh37 (hg19) VCF-style: chr2-80530326-C-T.
Other names: c.1057-90010C>T (NM_001399737.1, NM_001282597.3, NM_004389.4 and 1 more transcripts); c.1159-90010C>T (NM_001282598.2); short protein forms G207S.
Identifiers: ClinVar variation 2672821 (VCV002672821.23), dbSNP rs2466738722, ClinGen allele CA347508664.